The following is an entry in ClinVar:

NM_003031.4(SIAH1):c.205C>G (p.Leu69Val)

Genes: LONP2 (lon peptidase 2, peroxisomal; plus strand), SIAH1 (siah E3 ubiquitin protein ligase 1; minus strand). Cytogenetic location: 16q12.1.
Variant type: single nucleotide variant.
Coding change: c.205C>G on transcript NM_003031.4 (MANE Select); coding-DNA position 205, C replaced by G.
Protein change: p.Leu69Val; replaces leucine 69 with valine.
Molecular consequence: missense variant. On other transcripts: 3 prime UTR variant (1).
Genome position (GRCh38, 1-based): chr16:48,362,224, G>C on the plus strand (C>G on the coding strand, the complement: SIAH1 is on the minus strand). VCF-style: chr16-48362224-G-C. GRCh37 (hg19) VCF-style: chr16-48396135-G-C.
Other names: c.298C>G, p.Leu100Val (NM_001006610.2); c.*628G>C (NM_001348078.2); short protein forms L69V, L100V.
Identifiers: ClinVar variation 3162050 (VCV003162050.1), dbSNP rs1403139120, ClinGen allele CA396106364.

ClinVar aggregate classification (germline): Uncertain significance (1 of 4 stars; one submission).

Conditions:
Inborn genetic diseases. Identifiers: MedGen C0950123, MeSH D030342.

gnomAD v4.1: 1 of 1,614,230 alleles (0.000062%); no homozygotes.

Submission:

Ambry Genetics
Classification: Uncertain significance for Inborn genetic diseases. Last evaluated: 2023-09-27. Review status: criteria provided, single submitter. Criteria: Ambry Variant Classification Scheme 2023. Collection method: clinical testing. Allele origin: germline.
Comment: The c.298C>G (p.L100V) alteration is located in exon 2 (coding exon 2) of the SIAH1 gene. This alteration results from a C to G substitution at nucleotide position 298, causing the leucine (L) at amino acid position 100 to be replaced by a valine (V). This variant was not reported in population-based cohorts in the Genome Aggregation Database (gnomAD). This amino acid position is highly conserved in available vertebrate species. This missense alteration is located in a region that has a low rate of benign missense variation (Lek, 2016; Firth, 2009). This alteration is predicted to be tolerated by in silico analysis. Based on insufficient or conflicting evidence, the clinical significance of this alteration remains unclear.